The following is an entry in ClinVar:

NM_001405760.1(OR52I2):c.454A>G (p.Ile152Val)

Gene: OR52I2 (olfactory receptor family 52 subfamily I member 2; plus strand). Cytogenetic location: 11p15.4.
Variant type: single nucleotide variant.
Coding change: c.454A>G on transcript NM_001405760.1 (MANE Select); coding-DNA position 454, A replaced by G.
Protein change: p.Ile152Val; replaces isoleucine 152 with valine.
Molecular consequence: missense variant.
Genome position (GRCh38, 1-based): chr11:4,587,344, A>G. VCF-style: chr11-4587344-A-G. GRCh37 (hg19) VCF-style: chr11-4608574-A-G.
Other names: c.454A>G, p.Ile152Val (NM_001005170.4); short protein forms I152V.
Identifiers: ClinVar variation 2641532 (VCV002641532.24), dbSNP rs7947426, ClinGen allele CA5833409.

ClinVar aggregate classification (germline): Likely benign (1 of 4 stars; one submission).

Allele frequency attached by ClinVar (database versions not stated): gnomAD exomes 0.00019; ExAC 0.00045; ESP Exome Variant Server 0.00185; 1000 Genomes Project 0.00319; 1000 Genomes Project 30x 0.01156.

Submission:

CeGaT Center for Human Genetics Tuebingen
Classification: Likely benign. Last evaluated: 2022-12-01. Review status: criteria provided, single submitter. Criteria: CeGaT Center For Human Genetics Tuebingen Variant Classification Criteria Version 2. Collection method: clinical testing. Allele origin: germline. Affected: yes. Observed: 1 variant allele.
Comment: OR52I2: BP4, BS2